The following is an entry in ClinVar:

ClinVar aggregate classification (germline): Pathogenic (1 of 4 stars; one submission).

Submission:

Labcorp Genetics (formerly Invitae), Labcorp
Classification: Pathogenic. Last evaluated: 2023-05-14. Review status: criteria provided, single submitter. Criteria: Invitae Variant Classification Sherloc (09022015). Collection method: clinical testing. Allele origin: unknown.
Comment: For these reasons, this variant has been classified as Pathogenic. This variant has not been reported in the literature in individuals affected with ADAMTS18-related conditions. A gross deletion of the genomic region encompassing the full coding sequence of the ADAMTS18 gene has been identified. Loss-of-function variants in ADAMTS18 are known to be pathogenic (PMID: 23818446, 24874986). The boundaries of this event are unknown as they extend beyond the assayed region for this gene and therefore may encompass additional genes.

Literature cited by the submitters: PubMed 23818446; PubMed 24874986.

NC_000016.9:g.(?_77317853)_(77468592_?)del

Gene: ADAMTS18 (ADAM metallopeptidase with thrombospondin type 1 motif 18; minus strand). Cytogenetic location: 16q23.1.
Variant type: Deletion.
Identifiers: ClinVar variation 3243677 (VCV003243677.1).